The following is an entry in ClinVar:

ClinVar aggregate classification (germline): Benign/Likely benign. Review status: criteria provided, multiple submitters, no conflicts (2 of 4 stars). 21 submissions from 21 submitters: Benign (14); Likely benign (3). 4 of the submissions do not count toward it. Last evaluated 2026-02-04.

Conditions:
Hereditary cancer-predisposing syndrome. Also called: Hereditary neoplastic syndrome; Tumor predisposition; Neoplastic Syndromes, Hereditary; Hereditary Cancer Syndrome. Identifiers: Orphanet 140162, MedGen C0027672, MeSH D009386, MONDO:0015356.
Hereditary breast ovarian cancer syndrome. Also called: BRCA1- and BRCA2-Associated Hereditary Breast and Ovarian Cancer; Hereditary breast and/or ovarian cancer syndrome; Hereditary breast and ovarian cancer syndrome (HBOC); Breast and ovarian cancer; Hereditary breast and ovarian cancer syndrome; Hereditary breast and ovarian cancer. Identifiers: Orphanet 145, MedGen C0677776, MeSH D061325, MONDO:0003582. Disease mechanism: loss of function.
Breast cancer, susceptibility to. Identifiers: MedGen C3469522. Disease mechanism: gain of function.
Malignant tumor of breast. Also called: Malignant breast neoplasm; Cancer breast. Identifiers: MedGen C0006142, MONDO:0007254. Disease mechanism: loss of function.
Familial cancer of breast. Also called: Hereditary breast cancer; hereditary breast carcinoma; BREAST CANCER, FAMILIAL. Identifiers: Orphanet 227535, MedGen C0346153, MONDO:0016419, OMIM 114480. Disease mechanism: loss of function.

Allele frequency attached by ClinVar (database versions not stated): 1000 Genomes Project 30x 0.00781; 1000 Genomes Project 0.00799; gnomAD 0.01413 and 0.01443; TOPMed 0.01415; gnomAD exomes 0.01517; ExAC 0.01561.

Submissions (21):

Labcorp Genetics (formerly Invitae), Labcorp
Classification: Benign for Familial cancer of breast. Last evaluated: 2026-02-04. Review status: criteria provided, single submitter. Criteria: Invitae Variant Classification Sherloc (09022015). Collection method: clinical testing. Allele origin: germline.

Mayo Clinic Laboratories, Mayo Clinic
Classification: Likely benign. Last evaluated: 2025-10-22. Review status: criteria provided, single submitter. Criteria: ACMG Guidelines, 2015. Collection method: clinical testing. Allele origin: germline. Observed: 43 variant alleles.
Comment: BS1, BP4

ARUP Laboratories, Molecular Genetics and Genomics, ARUP Laboratories
Classification: Benign for Familial cancer of breast. Last evaluated: 2025-07-30. Review status: criteria provided, single submitter. Criteria: ARUP Molecular Germline Variant Investigation Process 2024. Collection method: clinical testing. Allele origin: germline.

Center for Genomic Medicine, Rigshospitalet, Copenhagen University Hospital
Classification: Benign. Last evaluated: 2025-03-04. Review status: criteria provided, single submitter. Criteria: ACMG Guidelines, 2015. Collection method: clinical testing. Allele origin: germline.

Blueprint Genetics
Classification: Likely benign. Last evaluated: 2024-11-26. Review status: criteria provided, single submitter. Criteria: ACMG Guidelines, 2015. Collection method: clinical testing. Allele origin: germline.

Myriad Genetics, Inc.
Classification: Benign for Familial cancer of breast. Last evaluated: 2024-07-26. Review status: criteria provided, single submitter. Criteria: Myriad Autosomal Dominant, Autosomal Recessive and X-Linked Classification Criteria (2023). Collection method: clinical testing. Allele origin: unknown.
Comment: This variant is considered benign. This variant has been observed at a population frequency that is significantly greater than expected given the associated disease prevalence and penetrance. This variant is strongly associated with less severe personal and family histories of cancer, typical for individuals without pathogenic variants in this gene [PMID: 25085752].

KCCC/NGS Laboratory, Kuwait Cancer Control Center
Classification: Benign for Familial cancer of breast. Last evaluated: 2023-07-07. Review status: criteria provided, single submitter. Criteria: ACMG Guidelines, 2015. Collection method: clinical testing. Allele origin: germline. Affected: yes.

Fulgent Genetics
Classification: Likely benign for Familial cancer of breast. Last evaluated: 2022-05-16. Review status: criteria provided, single submitter. Criteria: ACMG Guidelines, 2015. Collection method: clinical testing. Allele origin: unknown.

National Health Laboratory Service, Universitas Academic Hospital and University of the Free State
Classification: Benign for Hereditary breast ovarian cancer syndrome. Last evaluated: 2022-04-19. Review status: criteria provided, single submitter. Criteria: ACMG Guidelines, 2015. Collection method: clinical testing. Allele origin: germline. Affected: yes. Observed: 1 variant allele.

Sema4
Classification: Benign for Hereditary cancer-predisposing syndrome. Last evaluated: 2021-06-02. Review status: criteria provided, single submitter. Criteria: Sema4 Curation Guidelines. Collection method: curation. Allele origin: germline.

Quest Diagnostics Nichols Institute San Juan Capistrano
Classification: Benign. Last evaluated: 2020-08-24. Review status: criteria provided, single submitter. Criteria: Quest Diagnostics criteria. Collection method: clinical testing. Allele origin: unknown.

Ambry Genetics
Classification: Benign for Hereditary cancer-predisposing syndrome. Last evaluated: 2019-05-07. Review status: criteria provided, single submitter. Criteria: Ambry Variant Classification Scheme 2023. Collection method: clinical testing. Allele origin: germline.

Illumina Laboratory Services, Illumina
Classification: Benign for Familial cancer of breast. Last evaluated: 2018-03-06. Review status: criteria provided, single submitter. Criteria: ICSL Variant Classification Criteria 13 December 2019. Collection method: clinical testing. Allele origin: germline.
Comment: This variant was observed in the ICSL laboratory as part of a predisposition screen in an ostensibly healthy population. It had not been previously curated by ICSL or reported in the Human Gene Mutation Database (HGMD: prior to June 1st, 2018), and was therefore a candidate for classification through an automated scoring system. Utilizing variant allele frequency, disease prevalence and penetrance estimates, and inheritance mode, an automated score was calculated to assess if this variant is too frequent to cause the disease. Based on the score and internal cut-off values, a variant classified as benign is not then subjected to further curation. The score for this variant resulted in a classification of benign for this disease.

PreventionGenetics, part of Exact Sciences
Classification: Benign. Last evaluated: 2017-01-12. Review status: criteria provided, single submitter. Criteria: ACMG Guidelines, 2015. Collection method: clinical testing. Allele origin: germline.

Color Diagnostics, LLC DBA Color Health
Classification: Benign for Hereditary cancer-predisposing syndrome. Last evaluated: 2014-11-18. Review status: criteria provided, single submitter. Criteria: ACMG Guidelines, 2015. Collection method: clinical testing. Allele origin: germline.

GeneDx
Classification: Benign. Last evaluated: 2013-09-27. Review status: criteria provided, single submitter. Criteria: GeneDx Variant Classification (06012015). Collection method: clinical testing. Allele origin: germline. Affected: yes.
Comment: This variant is considered likely benign or benign based on one or more of the following criteria: it is a conservative change, it occurs at a poorly conserved position in the protein, it is predicted to be benign by multiple in silico algorithms, and/or has population frequency not consistent with disease.

Breakthrough Genomics
Classification: Benign. Review status: criteria provided, single submitter. Criteria: ACMG Guidelines, 2015. Collection method: not provided. Allele origin: germline. Inheritance: Autosomal dominant inheritance. Affected: yes.

OMIM
Classification: risk factor for BREAST CANCER, SUSCEPTIBILITY TO. Last evaluated: 2005-08-01. Review status: no assertion criteria provided. Collection method: literature only. Allele origin: germline. Not counted in ClinVar's aggregate classification.

Department of Pathology and Laboratory Medicine, Sinai Health System
Classification: Likely benign for Malignant tumor of breast. Review status: no assertion criteria provided. Collection method: clinical testing. Allele origin: unknown. Affected: yes. Observed: 60 variant alleles. Study: The Canadian Open Genetics Repository (COGR). Not counted in ClinVar's aggregate classification.
Comment: The BARD1 p.Cys557Ser variant was identified in 466 of 24464 proband chromosomes (frequency: 0.019) from individuals or families with breast and ovarian (hereditary and sporadic) cancers, and was identified in 263 of 16634 chromosomes (frequency: 0.016) from healthy individuals (Ding 2011, Ghimenti 2002, Gonzalez_Hormazabal 2012). A meta-analysis done to assess if this variant was associated with increased risk of breast cancer found no evidence to support this association except in women with a strong family history where carriers were found to have a 3.4-fold increase of breast cancer risk (Gonzalez_Hormazabal 2012). In an Italian study looking at BRCA1 and BRCA2 negative HBOC families, the variant segregated with disease in 1 family, and through linkage anlaysis both BARD1 and BRCA2 were linked to disease in the family (Ghimenti 2002). Analysis of unselected breast and ovarian tumors identified the variant in an ovarian tumour in hemizyous state, with functional assays indicating it may contribute to cancer phenotype (Sauer 2005). The variant was also identified in dbSNP (ID: rs rs28997576) as â€šÃ„ÃºOtherâ€šÃ„Ã¹, ClinVar (classification benign by GeneDx, Ambry Genetics, Invitae, Color Genomics Inc., likely benign by Illumina, and as risk factor by OMIM), and Zhejiang Colon Cancer Database (9X) and not in Cosmic and MutDB databases. The variant was identified in control databases in 4197 of 277016 (55 homozygous) chromosomes at a frequency of 0.015 increasing the likelihood this could be a low frequency benign variant (Genome Aggregation Consortium Feb 27, 2017), seen in the following populations at a frequency greater than 1%: Ashkenazi Jewish* in 238 of 10146 chromosomes (freq: 0.023), European (Non-Finnish) in 2914 of 126608 chromosomes (freq: 0.023), Other in 98 of 6456 chromosomes (freq: 0.015), and South Asian in 414 of 30782 chromosomes (freq: 0.013). The p.Cys557 residue is not conserved in mammals and four out of five computational analyses (PolyPhen-2, SIFT, AlignGVGD, BLOSUM, MutationTaster) do not suggest a high likelihood of impact to the protein; however, this information is not predictive enough to rule out pathogenicity. The variant occurs outside of the splicing consensus sequence and in silico or computational prediction software programs (SpliceSiteFinder, MaxEntScan, NNSPLICE, GeneSplicer, HumanSpliceFinder) do not predict a difference in splicing. In summary, based on the above information the clinical significance of this variant cannot be determined with certainty at this time although we would lean towards a more benign role for this variant. This variant is classified as likely benign.

Genome Diagnostics Laboratory, Amsterdam University Medical Center
Classification: Benign. Review status: no assertion criteria provided. Collection method: clinical testing. Allele origin: germline. Affected: yes. Study: VKGL Data-share Consensus. Not counted in ClinVar's aggregate classification.

Laboratory of Diagnostic Genome Analysis, Leiden University Medical Center (LUMC)
Classification: Benign. Review status: no assertion criteria provided. Collection method: clinical testing. Allele origin: germline. Affected: yes. Study: VKGL Data-share Consensus. Not counted in ClinVar's aggregate classification.

Literature cited by the submitters: PubMed 25085752 (cited by Myriad Genetics, Inc.); PubMed 26738429 (cited by Quest Diagnostics Nichols Institute San Juan Capistrano); PubMed 32726901 (cited by Quest Diagnostics Nichols Institute San Juan Capistrano); PubMed 15342711 (cited by Quest Diagnostics Nichols Institute San Juan Capistrano and OMIM); PubMed 19412175 (cited by Quest Diagnostics Nichols Institute San Juan Capistrano); PubMed 9425226 (cited by Quest Diagnostics Nichols Institute San Juan Capistrano); PubMed 16061562 (cited by Quest Diagnostics Nichols Institute San Juan Capistrano and OMIM); PubMed 17972171 (cited by Quest Diagnostics Nichols Institute San Juan Capistrano and Ambry Genetics); PubMed 21344236 (cited by Quest Diagnostics Nichols Institute San Juan Capistrano and Ambry Genetics); PubMed 16825437 (cited by Quest Diagnostics Nichols Institute San Juan Capistrano); PubMed 17333333 (cited by Quest Diagnostics Nichols Institute San Juan Capistrano); PubMed 16768547 (cited by Quest Diagnostics Nichols Institute San Juan Capistrano); PubMed 18481171 (cited by Quest Diagnostics Nichols Institute San Juan Capistrano); PubMed 21393566 (cited by Quest Diagnostics Nichols Institute San Juan Capistrano); PubMed 17848578 (cited by Quest Diagnostics Nichols Institute San Juan Capistrano and Ambry Genetics); PubMed 16333312 (cited by Ambry Genetics); PubMed 20077502 (cited by Ambry Genetics).

NM_000465.4(BARD1):c.1670G>C (p.Cys557Ser)

Gene: BARD1 (BRCA1 associated RING domain 1; minus strand). Cytogenetic location: 2q35.
Variant type: single nucleotide variant.
Coding change: c.1670G>C on transcript NM_000465.4 (MANE Select); coding-DNA position 1670, G replaced by C.
Protein change: p.Cys557Ser; replaces cysteine 557 with serine.
Molecular consequence: missense variant. On other transcripts: non-coding transcript variant (3), intron variant (1).
Genome position (GRCh38, 1-based): chr2:214,752,454, C>G on the plus strand (G>C on the coding strand, the complement: BARD1 is on the minus strand). VCF-style: chr2-214752454-C-G. GRCh37 (hg19) VCF-style: chr2-215617178-C-G.
Other names: p.C557S:TGC>TCC; NP_000456.2:p.Cys557Ser; c.1613G>C, p.Cys538Ser (NM_001282543.2); c.317G>C, p.Cys106Ser (NM_001282545.2); c.260G>C, p.Cys87Ser (NM_001282548.2); c.365-21946G>C (NM_001282549.2); short protein forms C557S, C106S, C538S, C87S.
Identifiers: ClinVar variation 8045 (VCV000008045.45), dbSNP rs28997576, ClinGen allele CA250552.